The following is an entry in ClinVar:

NM_001005373.4(LRSAM1):c.2093_2104del (p.Gln698_Gln701del)

Gene: LRSAM1 (leucine rich repeat and sterile alpha motif containing 1; plus strand). Cytogenetic location: 9q34.11.
Variant type: Deletion.
Coding change: c.2093_2104del on transcript NM_001005373.4 (MANE Select); coding-DNA positions 2093 to 2104, 12 bases deleted (AGTGCTGCCAGC).
Protein change: p.Gln698_Gln701del.
Molecular consequence: inframe deletion. On other transcripts: non-coding transcript variant (2).
Genome position (GRCh38, 1-based): chr9:127,502,820-127,502,831, AGTGCTGCCAGC deleted; deleting any 12 consecutive bases within chr9:127,502,810-127,502,831 gives the same sequence; the c. name uses the placement nearest the transcript's 3' end. VCF-style (leftmost placement, unchanged base first): chr9-127502809-CTGCTGCCAGCAG-C. GRCh37 (hg19) VCF-style: chr9-130265088-CTGCTGCCAGCAG-C.
Other names: c.2093_2104delAGTGCTGCCAGC (NM_138361.5); c.2093_2104del12 (NM_138361.4); c.2093_2104del, p.Gln698_Gln701del (NM_001005374.4, NM_001384142.1, NM_138361.5); c.2012_2023del, p.Gln671_Gln674del (NM_001190723.3); c.1994_2005del, p.Gln665_Gln668del (NM_001384143.1); c.1304_1315del, p.Gln435_Gln438del (NM_001384144.1); c.2093_2104del (NM_001005374.3).
Identifiers: ClinVar variation 472799 (VCV000472799.15), dbSNP rs1554763017, ClinGen allele CA658657905.

ClinVar aggregate classification (germline): Pathogenic/Likely pathogenic. Review status: criteria provided, multiple submitters, no conflicts (2 of 4 stars). 5 submissions from 5 submitters: Pathogenic (3); Likely pathogenic (1). 1 of the submissions does not count toward it. Last evaluated 2025-05-22.

Conditions:
Inborn genetic diseases. Identifiers: MedGen C0950123, MeSH D030342.
Charcot-Marie-Tooth disease axonal type 2P. Also called: CHARCOT-MARIE-TOOTH NEUROPATHY, TYPE 2P; CHARCOT-MARIE-TOOTH DISEASE, AXONAL, TYPE 2G; CMT 2G; Charcot-Marie-Tooth Neuropathy Type 2G. Identifiers: Orphanet 300319, Orphanet 99941, MedGen C3280797, MONDO:0013753, OMIM 614436.

Submissions (5):

Labcorp Genetics (formerly Invitae), Labcorp
Classification: Pathogenic for Charcot-Marie-Tooth disease axonal type 2P. Last evaluated: 2025-05-22. Review status: criteria provided, single submitter. Criteria: Invitae Variant Classification Sherloc (09022015). Collection method: clinical testing. Allele origin: germline.
Comment: This variant, c.2093_2104del, results in the deletion of 4 amino acid(s) of the LRSAM1 protein (p.Gln698_Gln701del), but otherwise preserves the integrity of the reading frame. This variant is not present in population databases (gnomAD no frequency). This variant has been observed in individuals with autosomal dominant Charcot-Marie-Tooth disease (PMID: 30996334). It has also been observed to segregate with disease in related individuals. ClinVar contains an entry for this variant (Variation ID: 472799). Experimental studies and prediction algorithms are not available or were not evaluated, and the functional significance of this variant is currently unknown. For these reasons, this variant has been classified as Pathogenic.

Department of Human Genetics, Hannover Medical School
Classification: Likely pathogenic for Charcot-Marie-Tooth disease axonal type 2P. Last evaluated: 2023-07-21. Review status: criteria provided, single submitter. Criteria: ACMG Guidelines, 2015. Collection method: clinical testing. Allele origin: germline. Inheritance: Autosomal dominant inheritance. Affected: yes.

Ambry Genetics
Classification: Pathogenic for Inborn genetic diseases. Last evaluated: 2021-12-22. Review status: criteria provided, single submitter. Criteria: Ambry Variant Classification Scheme 2023. Collection method: clinical testing. Allele origin: germline.
Comment: The c.2093_2104del12 pathogenic mutation (also known as p.Q698_Q701del) is located in coding exon 24 of the LRSAM1 gene. This variant results from an in-frame AGTGCTGCCAGC deletion at nucleotide positions 2093 to 2104. This results in the in-frame deletion of QCCQ from codons 698 to 701. This alteration was detected in the heterozygous state in multiple individuals with autosomal dominant Charcot-Marie-Tooth disease 2, and it was found to segregate with disease in multiple families originating from western and southwestern France (Peretti A et al. Eur J Hum Genet, 2019 09;27:1406-1418). This amino acid region is well conserved in available vertebrate species. In addition, this alteration is predicted to be deleterious by in silico analysis (Choi Y et al. PLoS ONE. 2012; 7(10):e46688). This variant is considered to be rare based on population cohorts in the Genome Aggregation Database (gnomAD). Based on the supporting evidence, this variant is expected to be causative of autosomal dominant Charcot-Marie-Tooth disease, type 2P (CMT2P); however, its clinical significance for autosomal recessive CMT2P is unclear.

Clinical Genetics Service, Universitary Hospital 12 de Octubre
Classification: Pathogenic for Charcot-Marie-Tooth disease axonal type 2P. Review status: criteria provided, single submitter. Criteria: ACMG Guidelines, 2015. Collection method: clinical testing. Allele origin: germline. Affected: yes.

Biochimie - Maladies Neurologiques Hereditaires, Hospices Civils de Lyon
Classification: Pathogenic for Charcot-Marie-Tooth disease axonal type 2P. Last evaluated: 2018-06-29. Review status: no assertion criteria provided. Collection method: clinical testing. Allele origin: inherited. Affected: yes. Not counted in ClinVar's aggregate classification.

Literature cited by the submitters: PubMed 30996334 (cited by Labcorp Genetics (formerly Invitae), Labcorp and Ambry Genetics).